The following is an entry in ClinVar:

ClinVar aggregate classification (germline): Uncertain significance (1 of 4 stars; one submission).

Submission:

Labcorp Genetics (formerly Invitae), Labcorp
Classification: Uncertain significance. Last evaluated: 2021-06-22. Review status: criteria provided, single submitter. Criteria: Invitae Variant Classification Sherloc (09022015). Collection method: clinical testing. Allele origin: germline.
Comment: Algorithms developed to predict the effect of missense changes on protein structure and function are either unavailable or do not agree on the potential impact of this missense change (SIFT: "Tolerated"; PolyPhen-2: "Probably Damaging"; Align-GVGD: "Class C0"). In summary, the available evidence is currently insufficient to determine the role of this variant in disease. Therefore, it has been classified as a Variant of Uncertain Significance. This variant has not been reported in the literature in individuals with HPS3-related conditions. This variant is not present in population databases (ExAC no frequency). This sequence change replaces phenylalanine with tyrosine at codon 879 of the HPS3 protein (p.Phe879Tyr). The phenylalanine residue is moderately conserved and there is a small physicochemical difference between phenylalanine and tyrosine.

NM_032383.5(HPS3):c.2636T>A (p.Phe879Tyr)

Genes: CP (ceruloplasmin; minus strand), HPS3 (HPS3 biogenesis of lysosomal organelles complex 2 subunit 1; plus strand). Cytogenetic location: 3q24.
Variant type: single nucleotide variant.
Coding change: c.2636T>A on transcript NM_032383.5 (MANE Select); coding-DNA position 2636, T replaced by A.
Protein change: p.Phe879Tyr; replaces phenylalanine 879 with tyrosine.
Molecular consequence: missense variant.
Genome position (GRCh38, 1-based): chr3:149,167,080, T>A. VCF-style: chr3-149167080-T-A. GRCh37 (hg19) VCF-style: chr3-148884867-T-A.
Other names: c.2141T>A, p.Phe714Tyr (NM_001308258.2); short protein forms F714Y, F879Y.
Identifiers: ClinVar variation 1467992 (VCV001467992.8), dbSNP rs2108184096, ClinGen allele CA354925474.